The following is an entry in ClinVar:

ClinVar aggregate classification (germline): Uncertain significance (1 of 4 stars; one submission).

Allele frequency attached by ClinVar (database versions not stated): gnomAD exomes below 0.00001; TOPMed below 0.00001; gnomAD 0.00001; ESP Exome Variant Server 0.00008.
gnomAD v4.1: 7 of 1,611,606 alleles (0.00043%); highest among the groups gnomAD compares: Non-Finnish European, 0.00059%; no homozygotes.

Submission:

GeneDx
Classification: Uncertain significance. Last evaluated: 2020-07-28. Review status: criteria provided, single submitter. Criteria: GeneDx Variant Classification Process June 2021. Collection method: clinical testing. Allele origin: germline. Affected: yes.
Comment: Not observed in large population cohorts (Lek et al., 2016); In silico analysis, which includes protein predictors and evolutionary conservation, supports a deleterious effect; Has not been previously published as pathogenic or benign to our knowledge

NM_006267.5(RANBP2):c.2384A>G (p.Tyr795Cys)

Gene: RANBP2 (RAN binding protein 2; plus strand). Cytogenetic location: 2q13.
Variant type: single nucleotide variant.
Coding change: c.2384A>G on transcript NM_006267.5 (MANE Select); coding-DNA position 2384, A replaced by G.
Protein change: p.Tyr795Cys; replaces tyrosine 795 with cysteine.
Molecular consequence: missense variant.
Genome position (GRCh38, 1-based): chr2:108,755,177, A>G. VCF-style: chr2-108755177-A-G. GRCh37 (hg19) VCF-style: chr2-109371633-A-G.
Other names: short protein forms Y795C.
Identifiers: ClinVar variation 1310778 (VCV001310778.2), dbSNP rs372122123, ClinGen allele CA53446515.